The following is an entry in ClinVar:

ClinVar aggregate classification (germline): Uncertain significance (1 of 4 stars; one submission).

gnomAD v4.1: 2 of 1,614,176 alleles (0.00012%); highest among the groups gnomAD compares: Non-Finnish European, 0.00017%; no homozygotes.

Submission:

GeneDx
Classification: Uncertain significance. Last evaluated: 2025-04-08. Review status: criteria provided, single submitter. Criteria: GeneDx Variant Classification Process June 2021. Collection method: clinical testing. Allele origin: germline. Affected: yes.
Comment: Not observed at significant frequency in large population cohorts (gnomAD); In silico analysis supports that this missense variant has a deleterious effect on protein structure/function; Has not been previously published as pathogenic or benign to our knowledge

NM_001394062.1(MACF1):c.21455G>A (p.Arg7152Gln)

Gene: MACF1 (microtubule actin crosslinking factor 1; plus strand). Cytogenetic location: 1p34.3.
Variant type: single nucleotide variant.
Coding change: c.21455G>A on transcript NM_001394062.1 (MANE Select); coding-DNA position 21455, G replaced by A.
Protein change: p.Arg7152Gln; replaces arginine 7152 with glutamine.
Molecular consequence: missense variant.
Genome position (GRCh38, 1-based): chr1:39,460,726, G>A. VCF-style: chr1-39460726-G-A. GRCh37 (hg19) VCF-style: chr1-39926398-G-A.
Other names: c.9533G>A, p.Arg3178Gln (NM_001397473.1); c.15278G>A, p.Arg5093Gln (NM_012090.5); short protein forms R3178Q, R5093Q, R7152Q.
Identifiers: ClinVar variation 4282376 (VCV004282376.1).